The following is an entry in ClinVar:

ClinVar aggregate classification (germline): Uncertain significance (1 of 4 stars; one submission).

Conditions:
Inborn genetic diseases. Identifiers: MedGen C0950123, MeSH D030342.

Submission:

Ambry Genetics
Classification: Uncertain significance for Inborn genetic diseases. Last evaluated: 2026-05-04. Review status: criteria provided, single submitter. Criteria: Ambry Variant Classification Scheme 2023. Collection method: clinical testing. Allele origin: germline.
Comment: The p.Q1099L variant (also known as c.3296A>T), located in coding exon 33 of the FANCA gene, results from an A to T substitution at nucleotide position 3296. The glutamine at codon 1099 is replaced by leucine, an amino acid with dissimilar properties. This amino acid position is conserved. In addition, this alteration is predicted to be tolerated by in silico analysis. Based on the available evidence, the clinical significance of this variant remains unclear.

NM_000135.4(FANCA):c.3296A>T (p.Gln1099Leu)

Gene: FANCA (FA complementation group A; minus strand). Cytogenetic location: 16q24.3.
Variant type: single nucleotide variant.
Coding change: c.3296A>T on transcript NM_000135.4 (MANE Select); coding-DNA position 3296, A replaced by T.
Protein change: p.Gln1099Leu; replaces glutamine 1099 with leucine.
Molecular consequence: missense variant.
Genome position (GRCh38, 1-based): chr16:89,748,711, T>A on the plus strand (A>T on the coding strand, the complement: FANCA is on the minus strand). VCF-style: chr16-89748711-T-A. GRCh37 (hg19) VCF-style: chr16-89815119-T-A.
Other names: c.3296A>T, p.Gln1099Leu (NM_001286167.3); short protein forms Q1099L.
Identifiers: ClinVar variation 4870861 (VCV004870861.1).
Genomic context (GRCh38, chr16:89,748,711, plus strand): 5'-GCACCTACCATCTCAGAGTTGACCAAGTGGAAGAACTGCTCGCATCTGGCAGTGATGGGC[T>A]GTTCTGCCTGGAAGCTGCTGCCGCAGAGGACAGACGAAGGCAGGCGGAGGAGGATCCTGG-3'
Protein context (NP_000126.2, residues 1089-1109): VLCGSSFQAE[Gln1099Leu]PITARCEQFF